The following is an entry in ClinVar:

NM_025099.6(CTC1):c.40G>A (p.Ala14Thr)

Gene: CTC1 (CST telomere replication complex component 1; minus strand). Cytogenetic location: 17p13.1.
Variant type: single nucleotide variant.
Coding change: c.40G>A on transcript NM_025099.6 (MANE Select); coding-DNA position 40, G replaced by A.
Protein change: p.Ala14Thr; replaces alanine 14 with threonine.
Molecular consequence: missense variant. On other transcripts: non-coding transcript variant (1).
Genome position (GRCh38, 1-based): chr17:8,243,142, C>T on the plus strand (G>A on the coding strand, the complement: CTC1 is on the minus strand). VCF-style: chr17-8243142-C-T. GRCh37 (hg19) VCF-style: chr17-8146460-C-T.
Other names: c.40G>A, p.Ala14Thr (NM_001411067.1); short protein forms A14T.
Identifiers: ClinVar variation 1960555 (VCV001960555.5), dbSNP rs1679488146, ClinGen allele CA397996841.

ClinVar aggregate classification (germline): Uncertain significance (1 of 4 stars; one submission).

Conditions:
Dyskeratosis congenita. Identifiers: Orphanet 1775, MedGen C0265965, MONDO:0015780.

Allele frequency attached by ClinVar (database versions not stated): gnomAD exomes below 0.00001; TOPMed below 0.00001.
gnomAD v4.1: 1 of 1,612,354 alleles (0.000062%); highest among the groups gnomAD compares: Non-Finnish European, 0.000085%; no homozygotes.

Submission:

Labcorp Genetics (formerly Invitae), Labcorp
Classification: Uncertain significance for Dyskeratosis congenita. Last evaluated: 2022-05-16. Review status: criteria provided, single submitter. Criteria: Invitae Variant Classification Sherloc (09022015). Collection method: clinical testing. Allele origin: germline.
Comment: This variant has not been reported in the literature in individuals affected with CTC1-related conditions. This variant is not present in population databases (gnomAD no frequency). This sequence change replaces alanine, which is neutral and non-polar, with threonine, which is neutral and polar, at codon 14 of the CTC1 protein (p.Ala14Thr). Algorithms developed to predict the effect of missense changes on protein structure and function output the following: SIFT: "Deleterious"; PolyPhen-2: "Benign"; Align-GVGD: "Class C0". The threonine amino acid residue is found in multiple mammalian species, which suggests that this missense change does not adversely affect protein function. In summary, the available evidence is currently insufficient to determine the role of this variant in disease. Therefore, it has been classified as a Variant of Uncertain Significance.